The following is an entry in ClinVar:

NM_002528.7(NTHL1):c.207G>C (p.Glu69Asp)

Gene: NTHL1 (nth like DNA glycosylase 1; minus strand). Cytogenetic location: 16p13.3.
Variant type: single nucleotide variant.
Coding change: c.207G>C on transcript NM_002528.7 (MANE Select); coding-DNA position 207, G replaced by C.
Protein change: p.Glu69Asp; replaces glutamic acid 69 with aspartic acid.
Molecular consequence: missense variant. On other transcripts: intron variant (1).
Genome position (GRCh38, 1-based): chr16:2,046,275, C>G on the plus strand (G>C on the coding strand, the complement: NTHL1 is on the minus strand). VCF-style: chr16-2046275-C-G. GRCh37 (hg19) VCF-style: chr16-2096276-C-G.
Other names: c.207G>C, p.Glu69Asp (NM_001318193.2); c.24+5G>C (NM_001318194.2); short protein forms E69D.
Identifiers: ClinVar variation 1402179 (VCV001402179.8), dbSNP rs2150946712, ClinGen allele CA394297552.

ClinVar aggregate classification (germline): Uncertain significance (1 of 4 stars; one submission).

Submission:

Labcorp Genetics (formerly Invitae), Labcorp
Classification: Uncertain significance. Last evaluated: 2022-08-23. Review status: criteria provided, single submitter. Criteria: Invitae Variant Classification Sherloc (09022015). Collection method: clinical testing. Allele origin: germline.
Comment: ClinVar contains an entry for this variant (Variation ID: 1402179). In summary, the available evidence is currently insufficient to determine the role of this variant in disease. Therefore, it has been classified as a Variant of Uncertain Significance. Algorithms developed to predict the effect of sequence changes on RNA splicing suggest that this variant may disrupt the consensus splice site. Algorithms developed to predict the effect of missense changes on protein structure and function are either unavailable or do not agree on the potential impact of this missense change (SIFT: "Not Available"; PolyPhen-2: "Benign"; Align-GVGD: "Not Available"). This variant has not been reported in the literature in individuals affected with NTHL1-related conditions. This variant is not present in population databases (gnomAD no frequency). This sequence change replaces glutamic acid, which is acidic and polar, with aspartic acid, which is acidic and polar, at codon 77 of the NTHL1 protein (p.Glu77Asp).